The following is an entry in ClinVar:

ClinVar aggregate classification (germline): Conflicting classifications of pathogenicity. Review status: criteria provided, conflicting classifications (1 of 4 stars). 2 submissions from 2 submitters: Uncertain significance (1); Likely benign (1). Last evaluated 2026-03-17.

Conditions:
Hereditary cancer-predisposing syndrome. Also called: Neoplastic Syndromes, Hereditary; Tumor predisposition; Hereditary Cancer Syndrome; Hereditary neoplastic syndrome. Identifiers: Orphanet 140162, MedGen C0027672, MeSH D009386, MONDO:0015356.
DICER1-related tumor predisposition. Also called: DICER1 syndrome; DICER1-related pleuropulmonary blastoma cancer predisposition syndrome. Identifiers: Orphanet 284343, MedGen C3839822, MONDO:0100216.

Submissions (2):

Ambry Genetics
Classification: Likely benign for Hereditary cancer-predisposing syndrome. Last evaluated: 2026-03-17. Review status: criteria provided, single submitter. Criteria: Ambry Variant Classification Scheme 2023. Collection method: clinical testing. Allele origin: germline.

Labcorp Genetics (formerly Invitae), Labcorp
Classification: Uncertain significance for DICER1-related tumor predisposition. Last evaluated: 2024-12-22. Review status: criteria provided, single submitter. Criteria: Invitae Variant Classification Sherloc (09022015). Collection method: clinical testing. Allele origin: germline.
Comment: This sequence change replaces isoleucine, which is neutral and non-polar, with valine, which is neutral and non-polar, at codon 1268 of the DICER1 protein (p.Ile1268Val). This variant is not present in population databases (gnomAD no frequency). This variant has not been reported in the literature in individuals affected with DICER1-related conditions. ClinVar contains an entry for this variant (Variation ID: 1347411). Invitae Evidence Modeling of protein sequence and biophysical properties (such as structural, functional, and spatial information, amino acid conservation, physicochemical variation, residue mobility, and thermodynamic stability) indicates that this missense variant is not expected to disrupt DICER1 protein function with a negative predictive value of 95%. In summary, the available evidence is currently insufficient to determine the role of this variant in disease. Therefore, it has been classified as a Variant of Uncertain Significance.

NM_177438.3(DICER1):c.3802A>G (p.Ile1268Val)

Gene: DICER1 (dicer 1, ribonuclease III; minus strand). Cytogenetic location: 14q32.13.
Variant type: single nucleotide variant.
Coding change: c.3802A>G on transcript NM_177438.3 (MANE Select); coding-DNA position 3802, A replaced by G.
Protein change: p.Ile1268Val; replaces isoleucine 1268 with valine.
Molecular consequence: missense variant.
Genome position (GRCh38, 1-based): chr14:95,103,594, T>C on the plus strand (A>G on the coding strand, the complement: DICER1 is on the minus strand). VCF-style: chr14-95103594-T-C. GRCh37 (hg19) VCF-style: chr14-95569931-T-C.
Other names: c.3802A>G, p.Ile1268Val (NM_001195573.1, NM_001271282.3, NM_001291628.2 and 1 more transcripts); c.3802A>G (NM_177438.2); short protein forms I1268V.
Identifiers: ClinVar variation 1347411 (VCV001347411.8), dbSNP rs2139959084, ClinGen allele CA390873418.
Genomic context (GRCh38, chr14:95,103,594, plus strand): 5'-TTGAGGAGTACCCAATAGAAGGGCTCTGCTCAGAATCCATCCTGCCCTTGAGCACTTGAA[T>C]AGTGTCTGTCGTACCAGGCATTACGGCCATCACAGGACTTCCATCTGAGGTAGATTTGTT-3'
Protein context (NP_803187.1, residues 1258-1278): MAVMPGTTDT[Ile1268Val]QVLKGRMDSE